The following is an entry in ClinVar:

NM_181552.4(CUX1):c.53C>T (p.Thr18Met)

Gene: CUX1 (cut like homeobox 1; plus strand). Cytogenetic location: 7q22.1.
Variant type: single nucleotide variant.
Coding change: c.53C>T on transcript NM_181552.4 (MANE Select); coding-DNA position 53, C replaced by T.
Protein change: p.Thr18Met; replaces threonine 18 with methionine.
Molecular consequence: missense variant. On other transcripts: intron variant (1).
Genome position (GRCh38, 1-based): chr7:101,916,137, C>T. VCF-style: chr7-101916137-C-T. GRCh37 (hg19) VCF-style: chr7-101559417-C-T.
Other names: c.86C>T, p.Thr29Met (NM_001202543.2, NM_001202544.3, NM_001202545.3 and 2 more transcripts); c.63+100044C>T (NM_001202546.3); short protein forms T18M, T29M.
Identifiers: ClinVar variation 1695434 (VCV001695434.2), dbSNP rs1804171761, ClinGen allele CA368909475.

ClinVar aggregate classification (germline): Uncertain significance (1 of 4 stars; one submission).

Allele frequency attached by ClinVar (database versions not stated): gnomAD 0.00001; gnomAD exomes 0.00001; TOPMed 0.00001.
gnomAD v4.1: 9 of 1,613,356 alleles (0.00056%); highest among the groups gnomAD compares: Non-Finnish European, 0.00076%; no homozygotes.

Submission:

GeneDx
Classification: Uncertain significance. Last evaluated: 2022-07-06. Review status: criteria provided, single submitter. Criteria: GeneDx Variant Classification Process June 2021. Collection method: clinical testing. Allele origin: germline. Affected: yes.
Comment: Not observed at significant frequency in large population cohorts (gnomAD); In silico analysis supports that this missense variant has a deleterious effect on protein structure/function; Has not been previously published as pathogenic or benign to our knowledge